The following is an entry in ClinVar:

NM_001035.3(RYR2):c.4458T>C (p.Tyr1486=)

Gene: RYR2 (ryanodine receptor 2; plus strand). Cytogenetic location: 1q43.
Variant type: single nucleotide variant.
Coding change: c.4458T>C on transcript NM_001035.3 (MANE Select); coding-DNA position 4458, T replaced by C.
Protein change: p.Tyr1486=; no amino-acid change (tyrosine 1486 retained).
Molecular consequence: synonymous variant.
Genome position (GRCh38, 1-based): chr1:237,595,519, T>C. VCF-style: chr1-237595519-T-C. GRCh37 (hg19) VCF-style: chr1-237758819-T-C.
Other names: c.4458T>C (NM_001035.2).
Identifiers: ClinVar variation 919440 (VCV000919440.14), dbSNP rs780368223, ClinGen allele CA086624.

ClinVar aggregate classification (germline): Likely benign. Review status: criteria provided, multiple submitters, no conflicts (2 of 4 stars). 4 submissions from 4 submitters: Likely benign (4). Last evaluated 2025-12-01.

Conditions:
Catecholaminergic polymorphic ventricular tachycardia (CVPT). Also called: Catecholamine-induced polymorphic ventricular tachycardia. Identifiers: Orphanet 3286, MedGen C5574922, MONDO:0017990.
Cardiovascular phenotype. Identifiers: MedGen CN230736.
Cardiomyopathy (CMYO). Also called: Cardiomyopathies. Identifiers: Orphanet 167848, MedGen C0878544, MONDO:0004994, HP:0001638. Inheritance: Various modes of inheritance.
Catecholaminergic polymorphic ventricular tachycardia 1. Also called: VENTRICULAR TACHYCARDIA, CATECHOLAMINERGIC POLYMORPHIC, 1, WITH OR WITHOUT ATRIAL DYSFUNCTION AND/OR DILATED CARDIOMYOPATHY; RYR2-Related Catecholaminergic Polymorphic Ventricular Tachycardia; VENTRICULAR TACHYCARDIA, STRESS-INDUCED POLYMORPHIC 1. Identifiers: Orphanet 3286, MedGen C1631597, MONDO:0011484, OMIM 604772.

Allele frequency attached by ClinVar (database versions not stated): TOPMed below 0.00001; ExAC 0.00001; gnomAD exomes 0.00001.
gnomAD v4.1: 4 of 1,612,316 alleles (0.00025%); highest among the groups gnomAD compares: Admixed American, 0.005%; no homozygotes.

Submissions (4):

Labcorp Genetics (formerly Invitae), Labcorp
Classification: Likely benign for Catecholaminergic polymorphic ventricular tachycardia 1. Last evaluated: 2025-12-01. Review status: criteria provided, single submitter. Criteria: Invitae Variant Classification Sherloc (09022015). Collection method: clinical testing. Allele origin: germline.

All of Us Research Program, National Institutes of Health
Classification: Likely benign for Catecholaminergic polymorphic ventricular tachycardia. Last evaluated: 2024-05-14. Review status: criteria provided, single submitter. Criteria: ACMG Guidelines, 2015. Collection method: clinical testing. Allele origin: germline. Inheritance: Autosomal dominant inheritance. Observed: 1 variant allele, 1 heterozygote.
Comment: This study involves interpretation of variants in research participants for the purpose of population health screening. Participant phenotype was not available at the time of variant classification. Additional details can be found in publication PMID: 35346344, PMCID: PMC8962531

Ambry Genetics
Classification: Likely benign for Cardiovascular phenotype. Last evaluated: 2022-10-17. Review status: criteria provided, single submitter. Criteria: Ambry Variant Classification Scheme 2023. Collection method: clinical testing. Allele origin: germline.

Color Diagnostics, LLC DBA Color Health
Classification: Likely benign for Cardiomyopathy. Last evaluated: 2019-01-27. Review status: criteria provided, single submitter. Criteria: ACMG Guidelines, 2015. Collection method: clinical testing. Allele origin: germline.